The following is an entry in ClinVar:

ClinVar aggregate classification (germline): Uncertain significance (1 of 4 stars; one submission).

Allele frequency attached by ClinVar (database versions not stated): gnomAD exomes below 0.00001; TOPMed 0.00001.
gnomAD v4.1: 4 of 1,611,146 alleles (0.00025%); highest among the groups gnomAD compares: Non-Finnish European, 0.00034%; no homozygotes.

Submission:

Labcorp Genetics (formerly Invitae), Labcorp
Classification: Uncertain significance. Last evaluated: 2022-06-12. Review status: criteria provided, single submitter. Criteria: Invitae Variant Classification Sherloc (09022015). Collection method: clinical testing. Allele origin: germline.
Comment: In summary, the available evidence is currently insufficient to determine the role of this variant in disease. Therefore, it has been classified as a Variant of Uncertain Significance. Algorithms developed to predict the effect of missense changes on protein structure and function (SIFT, PolyPhen-2, Align-GVGD) all suggest that this variant is likely to be tolerated. This variant has not been reported in the literature in individuals affected with MDH2-related conditions. This variant is not present in population databases (gnomAD no frequency). This sequence change replaces methionine, which is neutral and non-polar, with isoleucine, which is neutral and non-polar, at codon 315 of the MDH2 protein (p.Met315Ile).

NM_005918.4(MDH2):c.945G>C (p.Met315Ile)

Gene: MDH2 (malate dehydrogenase 2; plus strand). Cytogenetic location: 7q11.23.
Variant type: single nucleotide variant.
Coding change: c.945G>C on transcript NM_005918.4 (MANE Select); coding-DNA position 945, G replaced by C.
Protein change: p.Met315Ile; replaces methionine 315 with isoleucine.
Molecular consequence: missense variant.
Genome position (GRCh38, 1-based): chr7:76,066,338, G>C. VCF-style: chr7-76066338-G-C. GRCh37 (hg19) VCF-style: chr7-75695656-G-C.
Other names: c.819G>C, p.Met273Ile (NM_001282403.2); c.624G>C, p.Met208Ile (NM_001282404.2); short protein forms M315I, M273I, M208I.
Identifiers: ClinVar variation 2005066 (VCV002005066.4), dbSNP rs1798096280, ClinGen allele CA367769925.